The following is an entry in ClinVar:

NM_018972.4(GDAP1):c.769C>T (p.Arg257Ter)

Gene: GDAP1 (ganglioside induced differentiation associated protein 1; plus strand). Cytogenetic location: 8q21.11.
Variant type: single nucleotide variant.
Coding change: c.769C>T on transcript NM_018972.4 (MANE Select); coding-DNA position 769, C replaced by T.
Protein change: p.Arg257Ter; replaces arginine 257 with a stop codon.
Molecular consequence: nonsense. On other transcripts: intron variant (1).
Genome position (GRCh38, 1-based): chr8:74,364,059, C>T. VCF-style: chr8-74364059-C-T. GRCh37 (hg19) VCF-style: chr8-75276294-C-T.
Other names: c.565C>T, p.Arg189Ter (NM_001040875.4); c.442C>T, p.Arg148Ter (NM_001362929.2, NM_001362932.2); c.595C>T, p.Arg199Ter (NM_001362930.2); c.694+1006C>T (NM_001362931.2); short protein forms R257*, R199*, R148*, R189*.
Identifiers: ClinVar variation 245608 (VCV000245608.53), dbSNP rs770501034, ClinGen allele CA4785198.

ClinVar aggregate classification (germline): Pathogenic/Likely pathogenic. Review status: criteria provided, multiple submitters, no conflicts (2 of 4 stars). 10 submissions from 10 submitters: Pathogenic (5); Likely pathogenic (2). 3 of the submissions do not count toward it. Last evaluated 2026-07-27.

Conditions:
GDAP1-related disorder. Also called: GDAP1-related condition; GDAP1-related disorders.
Charcot-Marie-Tooth disease. Also called: Charcot-Marie-Tooth Hereditary Neuropathy; Charcot-Marie-Tooth Neuropathy. Identifiers: Orphanet 166, MedGen C0007959, MONDO:0015626.
Charcot-Marie-Tooth disease recessive intermediate A (CMTRIA). Also called: CHARCOT-MARIE-TOOTH NEUROPATHY, RECESSIVE INTERMEDIATE A. Identifiers: Orphanet 217055, MedGen C1842197, MONDO:0012014, OMIM 608340.
Charcot-Marie-Tooth disease, axonal, with vocal cord paresis, autosomal recessive. Also called: CHARCOT-MARIE-TOOTH DISEASE, TYPE 4A, AXONAL FORM; CHARCOT-MARIE-TOOTH NEUROPATHY, AXONAL, WITH VOCAL CORD PARESIS, AUTOSOMAL RECESSIVE; CMT2 WITH VOCAL CORD PARESIS, AUTOSOMAL RECESSIVE. Identifiers: Orphanet 101097, MedGen C1843183, MONDO:0011898, OMIM 607706.
Charcot-Marie-Tooth disease axonal type 2K (CMT2K). Also called: CHARCOT-MARIE-TOOTH DISEASE, AXONAL, AUTOSOMAL RECESSIVE, TYPE 2K; CHARCOT-MARIE-TOOTH NEUROPATHY, AXONAL, TYPE 2K; Charcot-Marie-Tooth disease type 2K. Identifiers: Orphanet 101097, Orphanet 99944, MedGen C1842983, MONDO:0011916, OMIM 607831.
Charcot-Marie-Tooth disease type 4A. Also called: Charcot-Marie-Tooth disease, demyelinating, autosomal recessive, type 4a. Identifiers: Orphanet 99948, MedGen C1859198, MONDO:0008961, OMIM 214400.

Allele frequency attached by ClinVar (database versions not stated): gnomAD 0.00001; gnomAD exomes 0.00001; TOPMed 0.00001; ExAC 0.00002.

Submissions (10):

PreventionGenetics, part of Exact Sciences
Classification: Pathogenic for GDAP1-related condition. Last evaluated: 2026-07-27. Review status: criteria provided, single submitter. Criteria: ACMG Guidelines, 2015. Collection method: clinical testing. Allele origin: germline.
Comment: The GDAP1 c.769C>T variant is predicted to result in premature protein termination (p.Arg257*). This variant has been reported in the homozygous state or compound heterozygous state in individuals with Charcot-Marie-Tooth disease (Ganapathy et al. 2019. PubMed ID: 31069529; Table S1, Karakaya et al. 2018. PubMed ID: 29858556). This variant is reported in 0.0062% of alleles in individuals of African descent in gnomAD. Nonsense variants in GDAP1 are expected to be pathogenic. This variant is interpreted as pathogenic for autosomal recessive GDAP1-related disorders.

Labcorp Genetics (formerly Invitae), Labcorp
Classification: Pathogenic for Charcot-Marie-Tooth disease type 4A. Last evaluated: 2025-09-17. Review status: criteria provided, single submitter. Criteria: Invitae Variant Classification Sherloc (09022015). Collection method: clinical testing. Allele origin: germline.
Comment: This sequence change creates a premature translational stop signal (p.Arg257*) in the GDAP1 gene. While this is not anticipated to result in nonsense mediated decay, it is expected to disrupt the last 102 amino acid(s) of the GDAP1 protein. This variant is present in population databases (rs770501034, gnomAD 0.007%). This premature translational stop signal has been observed in individuals with clinical features of autosomal recessive GDAP1-related conditions (PMID: 21322820). ClinVar contains an entry for this variant (Variation ID: 245608). Algorithms developed to predict the effect of sequence changes on RNA splicing suggest that this variant may disrupt the consensus splice site. This variant disrupts a region of the GDAP1 protein in which other variant(s) (p.Phe263Leufs*22, p.Arg341Glnfs*12) have been determined to be pathogenic (PMID: 12499475, 25614874; internal data). This suggests that this is a clinically significant region of the protein, and that variants that disrupt it are likely to be disease-causing. For these reasons, this variant has been classified as Pathogenic.

GeneDx
Classification: Likely pathogenic. Last evaluated: 2024-09-18. Review status: criteria provided, single submitter. Criteria: GeneDx Variant Classification Process June 2021. Collection method: clinical testing. Allele origin: germline. Affected: yes.
Comment: Nonsense variant predicted to result in protein truncation, as the last 102 amino acids are lost, and other loss-of-function variants have been reported downstream in HGMD; This variant is associated with the following publications: (PMID: 21322820, 31589614, 31069529, 29858556)

Women's Health and Genetics/Laboratory Corporation of America, LabCorp
Classification: Pathogenic for Charcot-Marie-Tooth disease type 4A. Last evaluated: 2023-08-28. Review status: criteria provided, single submitter. Criteria: LabCorp Variant Classification Summary - May 2015. Collection method: clinical testing. Allele origin: germline.
Comment: Variant summary: GDAP1 c.769C>T (p.Arg257X) results in a premature termination codon, predicted to cause a truncation of the encoded protein, a commonly known mechanism for disease. Variants downstream of this position have been classified as pathogenic in ClinVar. The variant allele was found at a frequency of 1.2e-05 in 251470 control chromosomes (gnomAD). c.769C>T has been reported in the literature as a biallelic genotype in individuals affected with Charcot-Marie Disease Type 4A (e.g. Karakaya_2018, Ganapathy_2019). These data indicate that the variant is likely associated with disease. To our knowledge, no experimental evidence demonstrating an impact on protein function has been reported. The following publications have been ascertained in the context of this evaluation (PMID: 31069529, 29858556). Four submitters have cited clinical-significance assessments for this variant to ClinVar after 2014 and all classified the variant as pathogenic. Based on the evidence outlined above, the variant was classified as pathogenic.

CeGaT Center for Human Genetics Tuebingen
Classification: Pathogenic. Last evaluated: 2017-08-01. Review status: criteria provided, single submitter. Criteria: CeGaT Center For Human Genetics Tuebingen Variant Classification Criteria Version 2. Collection method: clinical testing. Allele origin: germline. Affected: yes. Observed: 1 variant allele.

Juno Genomics, Hangzhou Juno Genomics, Inc
Classification: Likely pathogenic for Charcot-Marie-Tooth disease axonal type 2K; Charcot-Marie-Tooth disease, axonal, with vocal cord paresis, autosomal recessive; Charcot-Marie-Tooth disease recessive intermediate A; Charcot-Marie-Tooth disease type 4A. Review status: criteria provided, single submitter. Criteria: ACMG Guidelines, 2015. Collection method: clinical testing. Allele origin: germline.
Comment: Absent from controls (or at extremely low frequency if recessive) in Genome Aggregation Database.;Null variant in a gene where loss of function (LOF) is a known mechanism of disease.;For recessive disorders, detected in trans with a pathogenic variant.;Patient's phenotype or family history is highly specific for a disease with a single genetic etiology.

Neuberg Centre For Genomic Medicine, NCGM
Classification: Pathogenic for Charcot-Marie-Tooth disease recessive intermediate A. Review status: criteria provided, single submitter. Criteria: ACMG Guidelines, 2015. Collection method: clinical testing. Allele origin: germline. Affected: yes.
Comment: The stop gained p.R257* in GDAP1 (NM_018972.4) has been reported previously in affected individuals (DiVincenzo C et al). The variant has been submitted to ClinVar as Pathogenic. The p.R257* variant is observed in 3 individuals in gnomAD Exomes (0.001%) and is novel (not in any individuals) in 1000 Genomes. This variant is predicted to cause loss of normal protein function through protein truncation. Loss of function variants have been previously reported to be disease causing. For these reasons, this variant has been classified as Pathogenic.

Institute of Human Genetics, Cologne University
Classification: Pathogenic for Charcot-Marie-Tooth disease recessive intermediate A. Last evaluated: 2018-04-25. Review status: no assertion criteria provided. Collection method: clinical testing. Allele origin: germline. Affected: yes. Not counted in ClinVar's aggregate classification.

Inherited Neuropathy Consortium Ii, University Of Miami
Classification: Uncertain significance for Charcot-Marie-Tooth disease type 4A. Last evaluated: 2016-01-06. Review status: no assertion criteria provided. Collection method: literature only. Allele origin: germline. Affected: yes. Not counted in ClinVar's aggregate classification.

Inherited Neuropathy Consortium
Classification: Uncertain significance for Charcot-Marie-Tooth disease. Review status: no assertion criteria provided. Collection method: literature only. Allele origin: germline. Affected: yes. Not counted in ClinVar's aggregate classification.

Literature cited by the submitters: PubMed 21322820 (cited by 3 submitters); PubMed 12499475 (cited by Labcorp Genetics (formerly Invitae), Labcorp); PubMed 25614874 (cited by Labcorp Genetics (formerly Invitae), Labcorp); PubMed 31069529 (cited by Women's Health and Genetics/Laboratory Corporation of America, LabCorp); PubMed 29858556 (cited by Women's Health and Genetics/Laboratory Corporation of America, LabCorp).